The following is an entry in ClinVar:

NM_000426.4(LAMA2):c.5179G>C (p.Glu1727Gln)

Gene: LAMA2 (laminin subunit alpha 2; plus strand). Cytogenetic location: 6q22.33.
Variant type: single nucleotide variant.
Coding change: c.5179G>C on transcript NM_000426.4 (MANE Select); coding-DNA position 5179, G replaced by C.
Protein change: p.Glu1727Gln; replaces glutamic acid 1727 with glutamine.
Molecular consequence: missense variant.
Genome position (GRCh38, 1-based): chr6:129,391,598, G>C. VCF-style: chr6-129391598-G-C. GRCh37 (hg19) VCF-style: chr6-129712743-G-C.
Other names: c.5179G>C, p.Glu1727Gln (NM_001079823.2); short protein forms E1727Q.
Identifiers: ClinVar variation 355276 (VCV000355276.35), dbSNP rs374201203, ClinGen allele CA3993795.

ClinVar aggregate classification (germline): Uncertain significance. Review status: criteria provided, multiple submitters, no conflicts (2 of 4 stars). 8 submissions from 8 submitters: Uncertain significance (8). Last evaluated 2024-06-01.

Conditions:
Polymicrogyria. Identifiers: Orphanet 35981, MedGen C0266464, MONDO:0000087, HP:0002126.
Merosin deficient congenital muscular dystrophy (MDC1A). Also called: Congenital merosin-deficient muscular dystrophy 1A; Congenital Muscular Dystrophy Type 1A (MDC1A). Identifiers: Orphanet 258, MedGen C1263858, MONDO:0011925, OMIM 607855.
Muscular dystrophy, limb-girdle, autosomal recessive 23. Identifiers: Orphanet 565837, MedGen C4748327, MONDO:0029136, OMIM 618138.
LAMA2-related muscular dystrophy (LAMA2-RD). Also called: Laminin alpha 2-related dystrophy. Identifiers: MedGen C5679788, MONDO:0100228.
Congenital muscular dystrophy due to partial LAMA2 deficiency. Identifiers: MedGen C1842898.

Allele frequency attached by ClinVar (database versions not stated): gnomAD 0.00007; TOPMed 0.00007; ESP Exome Variant Server 0.00008.
gnomAD v4.1: 101 of 1,613,804 alleles (0.0063%); highest among the groups gnomAD compares: Non-Finnish European, 0.0082%; no homozygotes.

Submissions (8):

CeGaT Center for Human Genetics Tuebingen
Classification: Uncertain significance. Last evaluated: 2024-06-01. Review status: criteria provided, single submitter. Criteria: CeGaT Center For Human Genetics Tuebingen Variant Classification Criteria Version 2. Collection method: clinical testing. Allele origin: germline. Affected: yes. Observed: 1 variant allele.
Comment: LAMA2: PM2, BP4

Revvity Omics, Revvity
Classification: Uncertain significance. Last evaluated: 2024-05-27. Review status: criteria provided, single submitter. Criteria: ACMG Guidelines, 2015. Collection method: clinical testing. Allele origin: germline.

Blueprint Genetics
Classification: Uncertain significance. Last evaluated: 2023-12-04. Review status: criteria provided, single submitter. Criteria: ACMG Guidelines, 2015. Collection method: clinical testing. Allele origin: germline.

Labcorp Genetics (formerly Invitae), Labcorp
Classification: Uncertain significance for LAMA2-related muscular dystrophy. Last evaluated: 2022-10-17. Review status: criteria provided, single submitter. Criteria: Invitae Variant Classification Sherloc (09022015). Collection method: clinical testing. Allele origin: germline.
Comment: This sequence change replaces glutamic acid, which is acidic and polar, with glutamine, which is neutral and polar, at codon 1727 of the LAMA2 protein (p.Glu1727Gln). This variant is present in population databases (rs374201203, gnomAD 0.01%). This missense change has been observed in individual(s) with polymicrogyria and focal neuronal migration defect (PMID: 29706646). ClinVar contains an entry for this variant (Variation ID: 355276). Advanced modeling of protein sequence and biophysical properties (such as structural, functional, and spatial information, amino acid conservation, physicochemical variation, residue mobility, and thermodynamic stability) performed at Invitae indicates that this missense variant is not expected to disrupt LAMA2 protein function. In summary, the available evidence is currently insufficient to determine the role of this variant in disease. Therefore, it has been classified as a Variant of Uncertain Significance.

Fulgent Genetics
Classification: Uncertain significance for Merosin deficient congenital muscular dystrophy; Muscular dystrophy, limb-girdle, autosomal recessive 23. Last evaluated: 2022-04-21. Review status: criteria provided, single submitter. Criteria: ACMG Guidelines, 2015. Collection method: clinical testing. Allele origin: unknown.

Mayo Clinic Laboratories, Mayo Clinic
Classification: Uncertain significance. Last evaluated: 2022-02-10. Review status: criteria provided, single submitter. Criteria: ACMG Guidelines, 2015. Collection method: clinical testing. Allele origin: germline. Observed: 2 variant alleles.
Comment: BP4, PM2

Illumina Laboratory Services, Illumina
Classification: Uncertain significance for Congenital muscular dystrophy due to partial LAMA2 deficiency. Last evaluated: 2018-01-12. Review status: criteria provided, single submitter. Criteria: ICSL Variant Classification Criteria 13 December 2019. Collection method: clinical testing. Allele origin: germline.

Lupski Lab, Baylor-Hopkins CMG, Baylor College of Medicine
Classification: Uncertain significance for Polymicrogyria. Last evaluated: 2017-09-01. Review status: criteria provided, single submitter. Criteria: Wiszniewski et al. (Eur J Hum Genet. 2018). Collection method: research. Allele origin: inherited, unknown. Inheritance: Autosomal recessive inheritance. Affected: yes and no. Observed: 2 variant alleles.

Literature cited by the submitters: PubMed 29706646 (cited by Labcorp Genetics (formerly Invitae), Labcorp).